The following is an entry in ClinVar:

NM_003470.3(USP7):c.261C>T (p.Ser87=)

Gene: USP7 (ubiquitin specific peptidase 7; minus strand). Cytogenetic location: 16p13.2.
Variant type: single nucleotide variant.
Coding change: c.261C>T on transcript NM_003470.3 (MANE Select); coding-DNA position 261, C replaced by T.
Protein change: p.Ser87=; no amino-acid change (serine 87 retained).
Molecular consequence: synonymous variant. On other transcripts: 5 prime UTR variant (1), non-coding transcript variant (1).
Genome position (GRCh38, 1-based): chr16:8,923,337, G>A on the plus strand (C>T on the coding strand, the complement: USP7 is on the minus strand). VCF-style: chr16-8923337-G-A. GRCh37 (hg19) VCF-style: chr16-9017194-G-A.
Other names: c.213C>T, p.Ser71= (NM_001286457.2); c.-37C>T (NM_001286458.2); c.87C>T, p.Ser29= (NM_001321858.2).
Identifiers: ClinVar variation 2043806 (VCV002043806.5), dbSNP rs149125025, ClinGen allele CA7895769.

ClinVar aggregate classification (germline): Benign/Likely benign. Review status: criteria provided, multiple submitters, no conflicts (2 of 4 stars). 2 submissions from 2 submitters: Benign (1); Likely benign (1). Last evaluated 2026-07-01.

Allele frequency attached by ClinVar (database versions not stated): gnomAD exomes 0.00009; ExAC 0.00021; ESP Exome Variant Server 0.00031; 1000 Genomes Project 0.00060; 1000 Genomes Project 30x 0.00062; gnomAD 0.00072; TOPMed 0.00125.
gnomAD v4.1: 272 of 1,614,216 alleles (0.017%); highest among the groups gnomAD compares: African/African-American, 0.17%; no homozygotes.

Submissions (2):

CeGaT Center for Human Genetics Tuebingen
Classification: Likely benign. Last evaluated: 2026-07-01. Review status: criteria provided, single submitter. Criteria: CeGaT Center For Human Genetics Tuebingen Variant Classification Criteria Version 2. Collection method: clinical testing. Allele origin: germline. Affected: yes. Observed: 1 variant allele.
Comment: USP7: BP4, BP7

Labcorp Genetics (formerly Invitae), Labcorp
Classification: Benign. Last evaluated: 2026-01-24. Review status: criteria provided, single submitter. Criteria: Invitae Variant Classification Sherloc (09022015). Collection method: clinical testing. Allele origin: germline.